The following is an entry in ClinVar:

NM_001163435.3(TBCK):c.956A>C (p.Glu319Ala)

Gene: TBCK (TBC1 domain containing kinase; minus strand). Cytogenetic location: 4q24.
Variant type: single nucleotide variant.
Coding change: c.956A>C on transcript NM_001163435.3 (MANE Select); coding-DNA position 956, A replaced by C.
Protein change: p.Glu319Ala; replaces glutamic acid 319 with alanine.
Molecular consequence: missense variant.
Genome position (GRCh38, 1-based): chr4:106,244,740, T>G on the plus strand (A>C on the coding strand, the complement: TBCK is on the minus strand). VCF-style: chr4-106244740-T-G. GRCh37 (hg19) VCF-style: chr4-107165897-T-G.
Other names: c.956A>C, p.Glu319Ala (NM_001163436.4); c.839A>C, p.Glu280Ala (NM_001163437.3); c.440A>C, p.Glu147Ala (NM_001290768.2); c.767A>C, p.Glu256Ala (NM_033115.5); short protein forms E319A, E147A, E280A, E256A.
Identifiers: ClinVar variation 1959433 (VCV001959433.2), dbSNP rs2478059681, ClinGen allele CA357824216.

ClinVar aggregate classification (germline): Uncertain significance (1 of 4 stars; one submission).

Allele frequency attached by ClinVar (database versions not stated): gnomAD exomes 0.00004.
gnomAD v4.1: 59 of 1,593,256 alleles (0.0037%); highest among the groups gnomAD compares: Non-Finnish European, 0.005%; no homozygotes.

Submission:

Labcorp Genetics (formerly Invitae), Labcorp
Classification: Uncertain significance. Last evaluated: 2022-01-13. Review status: criteria provided, single submitter. Criteria: Invitae Variant Classification Sherloc (09022015). Collection method: clinical testing. Allele origin: germline.
Comment: This sequence change replaces glutamic acid, which is acidic and polar, with alanine, which is neutral and non-polar, at codon 319 of the TBCK protein (p.Glu319Ala). This variant is not present in population databases (gnomAD no frequency). This variant has not been reported in the literature in individuals affected with TBCK-related conditions. Algorithms developed to predict the effect of missense changes on protein structure and function (SIFT, PolyPhen-2, Align-GVGD) all suggest that this variant is likely to be tolerated. In summary, the available evidence is currently insufficient to determine the role of this variant in disease. Therefore, it has been classified as a Variant of Uncertain Significance.